The following is an entry in ClinVar:

NM_006306.4(SMC1A):c.349T>A (p.Tyr117Asn)

Gene: SMC1A (structural maintenance of chromosomes 1A; minus strand). Cytogenetic location: Xp11.22.
Variant type: single nucleotide variant.
Coding change: c.349T>A on transcript NM_006306.4 (MANE Select); coding-DNA position 349, T replaced by A.
Protein change: p.Tyr117Asn; replaces tyrosine 117 with asparagine.
Molecular consequence: missense variant.
Genome position (GRCh38, 1-based): chrX:53,414,820, A>T on the plus strand (T>A on the coding strand, the complement: SMC1A is on the minus strand). VCF-style: chrX-53414820-A-T. GRCh37 (hg19) VCF-style: chrX-53441769-A-T.
Other names: c.283T>A, p.Tyr95Asn (NM_001281463.1); short protein forms Y117N, Y95N.
Identifiers: ClinVar variation 3772453 (VCV003772453.13).

ClinVar aggregate classification (germline): Uncertain significance (1 of 4 stars; one submission).

Submission:

CeGaT Center for Human Genetics Tuebingen
Classification: Uncertain significance. Last evaluated: 2025-02-01. Review status: criteria provided, single submitter. Criteria: CeGaT Center For Human Genetics Tuebingen Variant Classification Criteria Version 2. Collection method: clinical testing. Allele origin: germline. Affected: yes. Observed: 1 variant allele.
Comment: SMC1A: PM2, PP2, PP3